The following is an entry in ClinVar:

ClinVar aggregate classification (germline): Uncertain significance (1 of 4 stars; one submission).

Conditions:
Charcot-Marie-Tooth disease type 4. Also called: Charcot-Marie-Tooth disease, type IV; Charcot-Marie-Tooth, Type 4. Identifiers: Orphanet 64749, MedGen C4082197, MONDO:0018995.

Allele frequency attached by ClinVar (database versions not stated): TOPMed below 0.00001; gnomAD 0.00001; gnomAD exomes 0.00001; ExAC 0.00002.
gnomAD v4.1: 19 of 1,614,076 alleles (0.0012%); highest among the groups gnomAD compares: African/African-American, 0.0027%; no homozygotes.

Submission:

Labcorp Genetics (formerly Invitae), Labcorp
Classification: Uncertain significance for Charcot-Marie-Tooth disease type 4. Last evaluated: 2024-10-01. Review status: criteria provided, single submitter. Criteria: Invitae Variant Classification Sherloc (09022015). Collection method: clinical testing. Allele origin: germline.
Comment: This sequence change replaces threonine, which is neutral and polar, with methionine, which is neutral and non-polar, at codon 655 of the SBF2 protein (p.Thr655Met). This variant is present in population databases (rs777190196, gnomAD 0.007%). This variant has not been reported in the literature in individuals affected with SBF2-related conditions. ClinVar contains an entry for this variant (Variation ID: 1007440). Invitae Evidence Modeling of protein sequence and biophysical properties (such as structural, functional, and spatial information, amino acid conservation, physicochemical variation, residue mobility, and thermodynamic stability) indicates that this missense variant is not expected to disrupt SBF2 protein function with a negative predictive value of 80%. In summary, the available evidence is currently insufficient to determine the role of this variant in disease. Therefore, it has been classified as a Variant of Uncertain Significance.

NM_030962.4(SBF2):c.1964C>T (p.Thr655Met)

Genes: SBF2 (SET binding factor 2; minus strand), LOC101928008 (uncharacterized LOC101928008; plus strand). Cytogenetic location: 11p15.4.
Variant type: single nucleotide variant.
Coding change: c.1964C>T on transcript NM_030962.4 (MANE Select); coding-DNA position 1964, C replaced by T.
Protein change: p.Thr655Met; replaces threonine 655 with methionine.
Molecular consequence: missense variant.
Genome position (GRCh38, 1-based): chr11:9,858,362, G>A on the plus strand (C>T on the coding strand, the complement: SBF2 is on the minus strand). VCF-style: chr11-9858362-G-A. GRCh37 (hg19) VCF-style: chr11-9879909-G-A.
Other names: c.1964C>T, p.Thr655Met (NM_001386339.1); c.1835C>T, p.Thr612Met (NM_001386342.1); short protein forms T655M, T612M.
Identifiers: ClinVar variation 1007440 (VCV001007440.9), dbSNP rs777190196, ClinGen allele CA5881672.